The following is an entry in ClinVar:

NM_152281.3(GORAB):c.190C>T (p.Gln64Ter)

Gene: GORAB (golgin, RAB6 interacting; plus strand). Cytogenetic location: 1q24.2.
Variant type: single nucleotide variant.
Coding change: c.190C>T on transcript NM_152281.3 (MANE Select); coding-DNA position 190, C replaced by T.
Protein change: p.Gln64Ter; replaces glutamine 64 with a stop codon.
Molecular consequence: nonsense. On other transcripts: 5 prime UTR variant (1), non-coding transcript variant (1).
Genome position (GRCh38, 1-based): chr1:170,539,338, C>T. VCF-style: chr1-170539338-C-T. GRCh37 (hg19) VCF-style: chr1-170508479-C-T.
Other names: c.190C>T, p.Gln64Ter (NM_001146039.2); c.-276C>T (NM_001320252.2); short protein forms Q64*.
Identifiers: ClinVar variation 2436670 (VCV002436670.7), dbSNP rs1461050152, ClinGen allele CA343162186.

ClinVar aggregate classification (germline): Pathogenic. Review status: criteria provided, multiple submitters, no conflicts (2 of 4 stars). 3 submissions from 3 submitters: Pathogenic (3). Last evaluated 2023-10-04.

Conditions:
Geroderma osteodysplastica (GO). Also called: WALT DISNEY DWARFISM; Geroderma osteodysplasticum. Identifiers: Orphanet 2078, MedGen C0432255, MONDO:0009271, OMIM 231070.

Allele frequency attached by ClinVar (database versions not stated): gnomAD exomes below 0.00001; TOPMed below 0.00001.
gnomAD v4.1: 3 of 1,614,188 alleles (0.00019%); highest among the groups gnomAD compares: South Asian, 0.0022%; no homozygotes.

Submissions (3):

Labcorp Genetics (formerly Invitae), Labcorp
Classification: Pathogenic. Last evaluated: 2023-10-04. Review status: criteria provided, single submitter. Criteria: Invitae Variant Classification Sherloc (09022015). Collection method: clinical testing. Allele origin: germline.
Comment: This sequence change creates a premature translational stop signal (p.Gln89*) in the GORAB gene. It is expected to result in an absent or disrupted protein product. Loss-of-function variants in GORAB are known to be pathogenic (PMID: 18997784, 19681135). This variant is present in population databases (no rsID available, gnomAD 0.003%). This premature translational stop signal has been observed in individual(s) with geroderma osteodysplasticum (PMID: 18997784). This variant is also known as p.Gln64X . ClinVar contains an entry for this variant (Variation ID: 2436670). For these reasons, this variant has been classified as Pathogenic.

Revvity Omics, Revvity
Classification: Pathogenic for Geroderma osteodysplastica. Last evaluated: 2022-05-10. Review status: criteria provided, single submitter. Criteria: ACMG Guidelines, 2015. Collection method: clinical testing. Allele origin: germline.

University of Washington Department of Laboratory Medicine, University of Washington
Classification: Pathogenic for Geroderma osteodysplastica. Last evaluated: 2021-05-12. Review status: criteria provided, single submitter. Criteria: ACMG Guidelines, 2015. Collection method: clinical testing. Allele origin: biparental. Affected: yes.
Comment: The p.Gln89* variant in the GORAB gene has not been previously reported in association with disease, but has been identified in 1/251428 chromosomes by the Genome Aggregation Database. Although this variant has been seen in the general population, its frequency is low enough to be consistent with a recessive carrier frequency. This variant leads to a premature stop codon in exon 2 of 5 exons and is predicted to undergo nonsense-mediated decay resulting in a truncated or absent protein. These predictions have not been tested directly. Biallelic loss of function of the GORAB gene is an established mechanism of disease. Using ACMG guidelines, this variant was classified as pathogenic for autosomal recessive geroderma osteodysplastica (ACMG evidence codes used: PVS1, PM2_supporting, PM3_supporting).

Literature cited by the submitters: PubMed 18997784 (cited by Labcorp Genetics (formerly Invitae), Labcorp); PubMed 19681135 (cited by Labcorp Genetics (formerly Invitae), Labcorp).